The following is an entry in ClinVar:

ClinVar aggregate classification (germline): Uncertain significance (1 of 4 stars; one submission).

Submission:

Labcorp Genetics (formerly Invitae), Labcorp
Classification: Uncertain significance. Last evaluated: 2023-01-10. Review status: criteria provided, single submitter. Criteria: Invitae Variant Classification Sherloc (09022015). Collection method: clinical testing. Allele origin: germline.
Comment: Algorithms developed to predict the effect of missense changes on protein structure and function (SIFT, PolyPhen-2, Align-GVGD) all suggest that this variant is likely to be disruptive. In summary, the available evidence is currently insufficient to determine the role of this variant in disease. Therefore, it has been classified as a Variant of Uncertain Significance. This variant has not been reported in the literature in individuals affected with NANS-related conditions. This variant is not present in population databases (gnomAD no frequency). This sequence change replaces aspartic acid, which is acidic and polar, with valine, which is neutral and non-polar, at codon 115 of the NANS protein (p.Asp115Val).

NM_018946.4(NANS):c.344A>T (p.Asp115Val)

Genes: NANS (N-acetylneuraminate synthase; plus strand), TRIM14 (tripartite motif containing 14; minus strand). Cytogenetic location: 9q22.33.
Variant type: single nucleotide variant.
Coding change: c.344A>T on transcript NM_018946.4 (MANE Select); coding-DNA position 344, A replaced by T.
Protein change: p.Asp115Val; replaces aspartic acid 115 with valine.
Molecular consequence: missense variant.
Genome position (GRCh38, 1-based): chr9:98,060,993, A>T. VCF-style: chr9-98060993-A-T. GRCh37 (hg19) VCF-style: chr9-100823275-A-T.
Other names: short protein forms D115V.
Identifiers: ClinVar variation 2014800 (VCV002014800.4), dbSNP rs2490331264, ClinGen allele CA374195125.